The following is an entry in ClinVar:

ClinVar aggregate classification (germline): Pathogenic (1 of 4 stars; one submission).

Conditions:
Dilated cardiomyopathy 3B (CMD3B). Also called: CMD3B: DMD-Related Dilated Cardiomyopathy; CARDIOMYOPATHY, DILATED, X-LINKED; DMD-Associated Dilated Cardiomyopathy. Identifiers: Orphanet 154, MedGen C3668940, MONDO:0010542, OMIM 302045.

Submission:

Centre for Mendelian Genomics, University Medical Centre Ljubljana
Classification: Pathogenic for Dilated cardiomyopathy 3B. Last evaluated: 2019-02-22. Review status: criteria provided, single submitter. Criteria: ACMG Guidelines, 2015. Collection method: clinical testing. Allele origin: unknown. Affected: yes.
Comment: This variant was classified as: Pathogenic. The following ACMG criteria were applied in classifying this variant: PVS1,PM2,PP3. This variant was detected in hemizygous state.

NM_004006.3(DMD):c.4375del (p.Arg1459fs)

Gene: DMD (dystrophin; minus strand). Cytogenetic location: Xp21.1.
Variant type: Deletion.
Coding change: c.4375del on transcript NM_004006.3 (MANE Select); coding-DNA position 4375, one base deleted (C; older notation c.4375delC).
Protein change: p.Arg1459fs; shifts the reading frame from arginine 1459.
Molecular consequence: frameshift variant.
Genome position (GRCh38, 1-based): chrX:32,389,644, G deleted on the plus strand (C on the coding strand, the reverse complement: DMD is on the minus strand). VCF-style (leftmost placement, unchanged base first): chrX-32389643-CG-C. GRCh37 (hg19) VCF-style: chrX-32407760-CG-C.
Other names: c.4351del, p.Arg1451fs (NM_000109.4); c.4363del, p.Arg1455fs (NM_004009.3); c.4006del, p.Arg1336fs (NM_004010.3); c.352del, p.Arg118fs (NM_004011.4); c.343del, p.Arg115fs (NM_004012.4); short protein forms R115fs, R1336fs, R1451fs, R118fs, R1455fs, R1459fs.
Identifiers: ClinVar variation 930423 (VCV000930423.3), dbSNP rs2097987064, ClinGen allele CA1139667363.